The following is an entry in ClinVar:

NM_001367624.2(ZNF469):c.4910G>A (p.Arg1637Gln)

Gene: ZNF469 (zinc finger protein 469; plus strand). Cytogenetic location: 16q24.2.
Variant type: single nucleotide variant.
Coding change: c.4910G>A on transcript NM_001367624.2 (MANE Select); coding-DNA position 4910, G replaced by A.
Protein change: p.Arg1637Gln; replaces arginine 1637 with glutamine.
Molecular consequence: missense variant.
Genome position (GRCh38, 1-based): chr16:88,432,380, G>A. VCF-style: chr16-88432380-G-A. GRCh37 (hg19) VCF-style: chr16-88498788-G-A.
Other names: NM_001127464.1:c.4826G>A; short protein forms R1637Q.
Identifiers: ClinVar variation 623892 (VCV000623892.52), dbSNP rs273585621, ClinGen allele CA8225025.
Genomic context (GRCh38, chr16:88,432,380, plus strand): 5'-CCCACGAGGACACGTTCTCGGCAGCTGACCTCACGCGCGTTGGAGAATCCACTGCACATC[G>A]GGAGGGTGCGGAATCGGCTGTGGCCACCGTGGAAGCGGTTCAGGGGAGGCCTGGGGGGAC-3'
Protein context (NP_001354553.1, residues 1627-1647): LTRVGESTAH[Arg1637Gln]EGAESAVATV

ClinVar aggregate classification (germline): Conflicting classifications of pathogenicity. Review status: criteria provided, conflicting classifications (1 of 4 stars). 6 submissions from 6 submitters: Uncertain significance (5); Likely benign (1). Last evaluated 2026-02-13.

Conditions:
Brittle cornea syndrome 1 (BCS1). Also called: DYSGENESIS MESODERMALIS CORNEAE ET SCLERAE; Corneal fragility keratoglobus, blue sclerae AND joint hypermobility; CORNEAL FRAGILITY, KERATOGLOBUS, BLUE SCLERAE, JOINT HYPEREXTENSIBILITY; EDS6B; FRAGILITAS OCULI WITH JOINT HYPEREXTENSIBILITY. Identifiers: Orphanet 90354, MedGen C0268344, MONDO:0024543, OMIM 229200.
Cardiovascular phenotype. Identifiers: MedGen CN230736.

Allele frequency attached by ClinVar (database versions not stated): gnomAD 0.00006; TOPMed 0.00008; ExAC 0.00013; 1000 Genomes Project 30x 0.00016.
gnomAD v4.1: 87 of 1,549,216 alleles (0.0056%); highest among the groups gnomAD compares: East Asian, 0.093%; no homozygotes.

Submissions (6):

Women's Health and Genetics/Laboratory Corporation of America, LabCorp
Classification: Uncertain significance. Last evaluated: 2026-02-13. Review status: criteria provided, single submitter. Criteria: LabCorp Variant Classification Summary - May 2015. Collection method: clinical testing. Allele origin: germline.
Comment: Variant summary: ZNF469 c.4910G>A (p.Arg1637Gln) results in a conservative amino acid change in the encoded protein sequence. Algorithms developed to predict the effect of missense changes on protein structure and function are either unavailable or do not agree on the potential impact of this missense change. The variant allele was found at a frequency of 0.00015 in 150626 control chromosomes. This frequency is not significantly higher than estimated for disease-causing variants in ZNF469, allowing no conclusion about variant significance. To our knowledge, no occurrence of c.4910G>A in individuals affected with ZNF469-related conditions and no experimental evidence demonstrating its impact on protein function have been reported. ClinVar contains an entry for this variant (Variation ID: 623892). Based on the evidence outlined above, the variant was classified as uncertain significance.

Labcorp Genetics (formerly Invitae), Labcorp
Classification: Uncertain significance. Last evaluated: 2024-08-18. Review status: criteria provided, single submitter. Criteria: Invitae Variant Classification Sherloc (09022015). Collection method: clinical testing. Allele origin: germline.
Comment: This sequence change replaces arginine, which is basic and polar, with glutamine, which is neutral and polar, at codon 1609 of the ZNF469 protein (p.Arg1609Gln). This variant is present in population databases (rs273585621, gnomAD 0.1%). This variant has not been reported in the literature in individuals affected with ZNF469-related conditions. ClinVar contains an entry for this variant (Variation ID: 623892). An algorithm developed to predict the effect of missense changes on protein structure and function outputs the following: PolyPhen-2: "Benign". The glutamine amino acid residue is found in multiple mammalian species, which suggests that this missense change does not adversely affect protein function. In summary, the available evidence is currently insufficient to determine the role of this variant in disease. Therefore, it has been classified as a Variant of Uncertain Significance.

Ambry Genetics
Classification: Likely benign for Cardiovascular phenotype. Last evaluated: 2022-05-18. Review status: criteria provided, single submitter. Criteria: Ambry Variant Classification Scheme 2023. Collection method: clinical testing. Allele origin: germline.

Department of Pathology and Laboratory Medicine, Sinai Health System
Classification: Uncertain significance for Brittle cornea syndrome 1. Last evaluated: 2021-08-11. Review status: criteria provided, single submitter. Criteria: ACMG Guidelines, 2015. Collection method: research. Allele origin: germline.

GeneDx
Classification: Uncertain significance. Last evaluated: 2020-01-23. Review status: criteria provided, single submitter. Criteria: GeneDx Variant Classification Process June 2021. Collection method: clinical testing. Allele origin: germline. Affected: yes.
Comment: In silico analysis, which includes protein predictors and evolutionary conservation, supports that this variant does not alter protein structure/function; Has not been previously published as pathogenic or benign to our knowledge

CeGaT Center for Human Genetics Tuebingen
Classification: Uncertain significance. Last evaluated: 2018-08-01. Review status: criteria provided, single submitter. Criteria: CeGaT Center For Human Genetics Tuebingen Variant Classification Criteria Version 2. Collection method: clinical testing. Allele origin: germline. Affected: yes. Observed: 1 variant allele.